The following is an entry in ClinVar:

NM_001006658.3(CR2):c.2783G>T (p.Arg928Leu)

Gene: CR2 (complement C3d receptor 2; plus strand). Cytogenetic location: 1q32.2.
Variant type: single nucleotide variant.
Coding change: c.2783G>T on transcript NM_001006658.3 (MANE Select); coding-DNA position 2783, G replaced by T.
Protein change: p.Arg928Leu; replaces arginine 928 with leucine.
Molecular consequence: missense variant.
Genome position (GRCh38, 1-based): chr1:207,476,300, G>T. VCF-style: chr1-207476300-G-T. GRCh37 (hg19) VCF-style: chr1-207649645-G-T.
Other names: c.2606G>T, p.Arg869Leu (NM_001877.5); short protein forms R869L, R928L.
Identifiers: ClinVar variation 935110 (VCV000935110.7), dbSNP rs756989345, ClinGen allele CA344539950.

ClinVar aggregate classification (germline): Uncertain significance (1 of 4 stars; one submission).

Conditions:
Immunodeficiency, common variable, 7. Identifiers: Orphanet 1572, Orphanet 696894, MedGen C3542922, MONDO:0013862, OMIM 614699.

Submission:

Labcorp Genetics (formerly Invitae), Labcorp
Classification: Uncertain significance for Immunodeficiency, common variable, 7. Last evaluated: 2021-08-28. Review status: criteria provided, single submitter. Criteria: Invitae Variant Classification Sherloc (09022015). Collection method: clinical testing. Allele origin: germline.
Comment: This sequence change replaces arginine with leucine at codon 928 of the CR2 protein (p.Arg928Leu). The arginine residue is highly conserved and there is a moderate physicochemical difference between arginine and leucine. This variant is not present in population databases (ExAC no frequency). This variant has not been reported in the literature in individuals affected with CR2-related conditions. Algorithms developed to predict the effect of missense changes on protein structure and function output the following: SIFT: "Deleterious"; PolyPhen-2: "Benign"; Align-GVGD: "Class C15". The leucine amino acid residue is found in multiple mammalian species, which suggests that this missense change does not adversely affect protein function. In summary, the available evidence is currently insufficient to determine the role of this variant in disease. Therefore, it has been classified as a Variant of Uncertain Significance.